The following is an entry in ClinVar:

ClinVar aggregate classification (germline): Uncertain significance (1 of 4 stars; one submission).

Conditions:
Lethal congenital glycogen storage disease of heart. Also called: GLYCOGEN STORAGE DISEASE OF HEART; PHOSPHORYLASE KINASE DEFICIENCY OF HEART. Identifiers: Orphanet 439854, MedGen C1849813, MONDO:0009867, OMIM 261740.

gnomAD v4.1: 2 of 1,613,980 alleles (0.00012%); highest among the groups gnomAD compares: South Asian, 0.0011%; no homozygotes.

Submission:

Labcorp Genetics (formerly Invitae), Labcorp
Classification: Uncertain significance for Lethal congenital glycogen storage disease of heart. Last evaluated: 2024-05-27. Review status: criteria provided, single submitter. Criteria: Invitae Variant Classification Sherloc (09022015). Collection method: clinical testing. Allele origin: germline.
Comment: This sequence change replaces methionine, which is neutral and non-polar, with valine, which is neutral and non-polar, at codon 262 of the PRKAG2 protein (p.Met262Val). This variant is present in population databases (rs780245153, gnomAD 0.0009%). This variant has not been reported in the literature in individuals affected with PRKAG2-related conditions. Advanced modeling of protein sequence and biophysical properties (such as structural, functional, and spatial information, amino acid conservation, physicochemical variation, residue mobility, and thermodynamic stability) performed at Invitae indicates that this missense variant is not expected to disrupt PRKAG2 protein function with a negative predictive value of 95%. In summary, the available evidence is currently insufficient to determine the role of this variant in disease. Therefore, it has been classified as a Variant of Uncertain Significance.

NM_016203.4(PRKAG2):c.784A>G (p.Met262Val)

Gene: PRKAG2 (protein kinase AMP-activated non-catalytic subunit gamma 2; minus strand). Cytogenetic location: 7q36.1.
Variant type: single nucleotide variant.
Coding change: c.784A>G on transcript NM_016203.4 (MANE Select); coding-DNA position 784, A replaced by G.
Protein change: p.Met262Val; replaces methionine 262 with valine.
Molecular consequence: missense variant.
Genome position (GRCh38, 1-based): chr7:151,595,425, T>C on the plus strand (A>G on the coding strand, the complement: PRKAG2 is on the minus strand). VCF-style: chr7-151595425-T-C. GRCh37 (hg19) VCF-style: chr7-151292511-T-C.
Other names: c.652A>G, p.Met218Val (NM_001040633.2, NM_001407024.1); c.409A>G, p.Met137Val (NM_001304527.2, NM_001407029.1); c.61A>G, p.Met21Val (NM_001304531.2, NM_001407034.1, NM_001407035.1 and 1 more transcripts); c.412A>G, p.Met138Val (NM_001363698.2, NM_001407028.1); c.784A>G, p.Met262Val (NM_001407021.1); c.781A>G, p.Met261Val (NM_001407022.1, NM_001407023.1); c.649A>G, p.Met217Val (NM_001407026.1, NM_001407027.1); c.496A>G, p.Met166Val (NM_001407030.1); and 6 more; short protein forms M137V, M154V, M261V, M166V, M20V, M262V, M37V, M41V.
Identifiers: ClinVar variation 3704018 (VCV003704018.2).